The following is an entry in ClinVar:

ClinVar aggregate classification (germline): Uncertain significance (1 of 4 stars; one submission).

Conditions:
Autosomal dominant hypocalcemia 1 (HYPOC1). Also called: HYPOCALCEMIA, FAMILIAL. Identifiers: MedGen C3715128, MONDO:0011013, OMIM 601198.
Familial hypocalciuric hypercalcemia (FHH). Also called: Familial benign hypercalcemia. Identifiers: Orphanet 405, MedGen C1809471, MONDO:0018458.

Submission:

Labcorp Genetics (formerly Invitae), Labcorp
Classification: Uncertain significance for Familial hypocalciuric hypercalcemia; Autosomal dominant hypocalcemia 1. Last evaluated: 2024-04-02. Review status: criteria provided, single submitter. Criteria: Invitae Variant Classification Sherloc (09022015). Collection method: clinical testing. Allele origin: germline.
Comment: This sequence change replaces isoleucine, which is neutral and non-polar, with asparagine, which is neutral and polar, at codon 852 of the CASR protein (p.Ile852Asn). This variant is not present in population databases (gnomAD no frequency). This variant has not been reported in the literature in individuals affected with CASR-related conditions. An algorithm developed to predict the effect of missense changes on protein structure and function (PolyPhen-2) suggests that this variant is likely to be disruptive. In summary, the available evidence is currently insufficient to determine the role of this variant in disease. Therefore, it has been classified as a Variant of Uncertain Significance.

NM_000388.4(CASR):c.2555T>A (p.Ile852Asn)

Gene: CASR (calcium sensing receptor; plus strand). Cytogenetic location: 3q21.1.
Variant type: single nucleotide variant.
Coding change: c.2555T>A on transcript NM_000388.4 (MANE Select); coding-DNA position 2555, T replaced by A.
Protein change: p.Ile852Asn; replaces isoleucine 852 with asparagine.
Molecular consequence: missense variant.
Genome position (GRCh38, 1-based): chr3:122,284,509, T>A. VCF-style: chr3-122284509-T-A. GRCh37 (hg19) VCF-style: chr3-122003356-T-A.
Other names: c.2585T>A, p.Ile862Asn (NM_001178065.2); short protein forms I852N, I862N.
Identifiers: ClinVar variation 3755631 (VCV003755631.2).